The following is an entry in ClinVar:

ClinVar aggregate classification (germline): Pathogenic. Review status: criteria provided, multiple submitters, no conflicts (2 of 4 stars). 5 submissions from 5 submitters: Pathogenic (4). 1 of the submissions does not count toward it. Last evaluated 2026-07-01.

Conditions:
Glycogen storage disease, type II (IOPD). Also called: GLYCOGENOSIS, GENERALIZED, CARDIAC FORM; GSD II; POMPE DISEASE, INFANTILE-ONSET; GLYCOGEN STORAGE DISEASE II, INFANTILE-ONSET; ACID ALPHA-GLUCOSIDASE DEFICIENCY, INFANTILE-ONSET; GAA DEFICIENCY, INFANTILE-ONSET. Identifiers: Orphanet 365, MedGen C0017921, MONDO:0009290, OMIM 232300.

Submissions (5):

Genomenon, Inc
Classification: Pathogenic for Glycogen storage disease, type II. Last evaluated: 2026-07-01. Review status: criteria provided, single submitter. Criteria: Genomenon Sequence Variant Interpretation Standards - Updated. Collection method: curation. Allele origin: germline. Affected: yes.
Comment: GAA p.Thr832AsnfsTer51 (c.2495_2496del) is a frameshift variant that is predicted to introduce a premature termination codon and result in a truncated or absent protein product. This variant has been observed in at least one proband with a GAA-related disorder (PMID:31125121;27417441;25741864). It is absent or not present at a significant frequency in gnomAD. In conclusion, we classify GAA p.Thr832AsnfsTer51 (c.2495_2496del) as a pathogenic variant.

Labcorp Genetics (formerly Invitae), Labcorp
Classification: Pathogenic for Glycogen storage disease, type II. Last evaluated: 2024-08-18. Review status: criteria provided, single submitter. Criteria: Invitae Variant Classification Sherloc (09022015). Collection method: clinical testing. Allele origin: germline.
Comment: This sequence change creates a premature translational stop signal (p.Thr832Asnfs*51) in the GAA gene. It is expected to result in an absent or disrupted protein product. Loss-of-function variants in GAA are known to be pathogenic (PMID: 18425781, 22252923). This variant is not present in population databases (gnomAD no frequency). This premature translational stop signal has been observed in individual(s) with Pompe disease (PMID: 22644586, 25741864, 31342611). ClinVar contains an entry for this variant (Variation ID: 370706). For these reasons, this variant has been classified as Pathogenic.

Fulgent Genetics
Classification: Pathogenic for Glycogen storage disease, type II. Last evaluated: 2024-06-01. Review status: criteria provided, single submitter. Criteria: ACMG Guidelines, 2015. Collection method: clinical testing. Allele origin: germline.

Revvity Omics, Revvity
Classification: Pathogenic. Last evaluated: 2021-08-06. Review status: criteria provided, single submitter. Criteria: ACMG Guidelines, 2015. Collection method: clinical testing. Allele origin: germline.

Counsyl
Classification: Likely pathogenic for Glycogen storage disease, type II. Last evaluated: 2016-03-29. Review status: no assertion criteria provided. Collection method: clinical testing. Allele origin: unknown. Not counted in ClinVar's aggregate classification.

Literature cited by the submitters: PubMed 31125121 (cited by Genomenon, Inc); PubMed 27417441 (cited by Genomenon, Inc); PubMed 25741864 (cited by 3 submitters); PubMed 18425781 (cited by Labcorp Genetics (formerly Invitae), Labcorp); PubMed 22252923 (cited by Labcorp Genetics (formerly Invitae), Labcorp); PubMed 22644586 (cited by Labcorp Genetics (formerly Invitae), Labcorp); PubMed 31342611 (cited by Labcorp Genetics (formerly Invitae), Labcorp).

NM_000152.5(GAA):c.2495_2496del (p.Thr832fs)

Gene: GAA (alpha glucosidase; plus strand). Cytogenetic location: 17q25.3.
Variant type: Microsatellite.
Coding change: c.2495_2496del on transcript NM_000152.5 (MANE Select); coding-DNA positions 2495 to 2496, 2 bases deleted (CA; older notation c.2495_2496delCA).
Protein change: p.Thr832fs; shifts the reading frame from threonine 832.
Molecular consequence: frameshift variant.
Genome position (GRCh38, 1-based): chr17:80,118,206-80,118,207, CA deleted; deleting any 2 consecutive bases within chr17:80,118,204-80,118,207 gives the same sequence; the c. name uses the placement nearest the transcript's 3' end. VCF-style (leftmost placement, unchanged base first): chr17-80118203-TCA-T. GRCh37 (hg19) VCF-style: chr17-78092002-TCA-T.
Other names: c.2495_2496del, p.Thr832fs (NM_001079804.3, NM_001079803.3); short protein forms T832fs.
Identifiers: ClinVar variation 370706 (VCV000370706.14), dbSNP rs1057516704, ClinGen allele CA16041907.